The following is an entry in ClinVar:

NM_000179.3(MSH6):c.416C>T (p.Thr139Ile)

Gene: MSH6 (mutS homolog 6; plus strand). Cytogenetic location: 2p16.3.
Variant type: single nucleotide variant.
Coding change: c.416C>T on transcript NM_000179.3 (MANE Select); coding-DNA position 416, C replaced by T.
Protein change: p.Thr139Ile; replaces threonine 139 with isoleucine.
Molecular consequence: missense variant. On other transcripts: 5 prime UTR variant (2), intron variant (1).
Genome position (GRCh38, 1-based): chr2:47,791,082, C>T. VCF-style: chr2-47791082-C-T. GRCh37 (hg19) VCF-style: chr2-48018221-C-T.
Other names: c.-321C>T (NM_001281493.2); c.-487C>T (NM_001281494.2); c.238-7529C>T (NM_001281492.2); short protein forms T139I.
Identifiers: ClinVar variation 845911 (VCV000845911.12), dbSNP rs1443147770, ClinGen allele CA346737126.

ClinVar aggregate classification (germline): Uncertain significance. Review status: criteria provided, multiple submitters, no conflicts (2 of 4 stars). 2 submissions from 2 submitters: Uncertain significance (2). Last evaluated 2019-10-25.

Conditions:
Hereditary nonpolyposis colorectal neoplasms. Identifiers: MedGen C0009405, MeSH D003123.
Hereditary cancer-predisposing syndrome. Also called: Tumor predisposition; Hereditary neoplastic syndrome; Neoplastic Syndromes, Hereditary; Hereditary Cancer Syndrome. Identifiers: Orphanet 140162, MedGen C0027672, MeSH D009386, MONDO:0015356.

Submissions (2):

Labcorp Genetics (formerly Invitae), Labcorp
Classification: Uncertain significance for Hereditary nonpolyposis colorectal neoplasms. Last evaluated: 2019-10-25. Review status: criteria provided, single submitter. Criteria: Invitae Variant Classification Sherloc (09022015). Collection method: clinical testing. Allele origin: germline.
Comment: Algorithms developed to predict the effect of missense changes on protein structure and function are either unavailable or do not agree on the potential impact of this missense change (SIFT: "Deleterious"; PolyPhen-2: "Possibly Damaging"; Align-GVGD: "Class C0"). This sequence change replaces threonine with isoleucine at codon 139 of the MSH6 protein (p.Thr139Ile). The threonine residue is moderately conserved and there is a moderate physicochemical difference between threonine and isoleucine. This variant is not present in population databases (ExAC no frequency). This variant has not been reported in the literature in individuals with MSH6-related conditions. In summary, the available evidence is currently insufficient to determine the role of this variant in disease. Therefore, it has been classified as a Variant of Uncertain Significance.

Ambry Genetics
Classification: Uncertain significance for Hereditary cancer-predisposing syndrome. Last evaluated: 2018-01-08. Review status: criteria provided, single submitter. Criteria: Ambry Variant Classification Scheme 2023. Collection method: clinical testing. Allele origin: germline.
Comment: The p.T139I variant (also known as c.416C>T), located in coding exon 2 of the MSH6 gene, results from a C to T substitution at nucleotide position 416. The threonine at codon 139 is replaced by isoleucine, an amino acid with similar properties. This amino acid position is well conserved in available vertebrate species. In addition, this alteration is predicted to be tolerated by in silico analysis. In addition, the CoDP in silico tool predicts this alteration to have minor impact on molecular function, with a score of 0.00 (Terui H et al. J. Biomed. Sci. 2013 Apr;20:25). Since supporting evidence is limited at this time, the clinical significance of this alteration remains unclear.